The following is an entry in ClinVar:

ClinVar aggregate classification (germline): Uncertain significance. Review status: criteria provided, multiple submitters, no conflicts (2 of 4 stars). 4 submissions from 4 submitters: Uncertain significance (3). 1 of the submissions does not count toward it. Last evaluated 2022-04-21.

Conditions:
Cardiovascular phenotype. Identifiers: MedGen CN230736.
Alstrom syndrome (ALMS). Identifiers: Orphanet 64, MedGen C0268425, MONDO:0008763, OMIM 203800.

Allele frequency attached by ClinVar (database versions not stated): gnomAD below 0.00001 and 0.00001; TOPMed 0.00001; gnomAD exomes 0.00002 and 0.00004; ExAC 0.00004.
gnomAD v4.1: 24 of 1,613,990 alleles (0.0015%); highest among the groups gnomAD compares: South Asian, 0.024%; 2 homozygotes.

Submissions (4):

Ambry Genetics
Classification: Uncertain significance for Cardiovascular phenotype. Last evaluated: 2022-04-21. Review status: criteria provided, single submitter. Criteria: Ambry Variant Classification Scheme 2023. Collection method: clinical testing. Allele origin: germline.
Comment: The p.S910L variant (also known as c.2729C>T), located in coding exon 8 of the ALMS1 gene, results from a C to T substitution at nucleotide position 2729. The serine at codon 910 is replaced by leucine, an amino acid with dissimilar properties. This amino acid position is well conserved in available vertebrate species. In addition, this alteration is predicted to be tolerated by in silico analysis. Since supporting evidence is limited at this time, the clinical significance of this alteration remains unclear.

Labcorp Genetics (formerly Invitae), Labcorp
Classification: Uncertain significance for Alstrom syndrome. Last evaluated: 2022-02-19. Review status: criteria provided, single submitter. Criteria: Invitae Variant Classification Sherloc (09022015). Collection method: clinical testing. Allele origin: germline.
Comment: This sequence change replaces serine, which is neutral and polar, with leucine, which is neutral and non-polar, at codon 910 of the ALMS1 protein (p.Ser910Leu). This variant is present in population databases (rs746640196, gnomAD 0.03%). This variant has not been reported in the literature in individuals affected with ALMS1-related conditions. ClinVar contains an entry for this variant (Variation ID: 459862). In summary, the available evidence is currently insufficient to determine the role of this variant in disease. Therefore, it has been classified as a Variant of Uncertain Significance.

Women's Health and Genetics/Laboratory Corporation of America, LabCorp
Classification: Uncertain significance. Last evaluated: 2021-02-01. Review status: criteria provided, single submitter. Criteria: LabCorp Variant Classification Summary - May 2015. Collection method: clinical testing. Allele origin: germline.
Comment: Variant summary: ALMS1 c.2723C>T (p.Ser908Leu) results in a non-conservative amino acid change in the encoded protein sequence. Three of five in-silico tools predict a damaging effect of the variant on protein function. The variant allele was found at a frequency of 3.6e-05 in 248510 control chromosomes. The available data on variant occurrences in the general population are insufficient to allow any conclusion about variant significance. To our knowledge, no occurrence of c.2723C>T in individuals affected with Alstrom Syndrome With Dilated Cardiomyopathy and no experimental evidence demonstrating its impact on protein function have been reported. One clinical diagnostic laboratory has submitted clinical-significance assessments for this variant to ClinVar after 2014 without evidence for independent evaluation and cited the variant as uncertain significance. Based on the evidence outlined above, the variant was classified as uncertain significance.

Natera, Inc.
Classification: Uncertain significance for Alstrom syndrome. Last evaluated: 2021-05-06. Review status: no assertion criteria provided. Collection method: clinical testing. Allele origin: germline. Not counted in ClinVar's aggregate classification.

NM_001378454.1(ALMS1):c.2726C>T (p.Ser909Leu)

Gene: ALMS1 (ALMS1 centrosome and basal body associated protein; plus strand). Cytogenetic location: 2p13.1.
Variant type: single nucleotide variant.
Coding change: c.2726C>T on transcript NM_001378454.1 (MANE Select); coding-DNA position 2726, C replaced by T.
Protein change: p.Ser909Leu; replaces serine 909 with leucine.
Molecular consequence: missense variant.
Genome position (GRCh38, 1-based): chr2:73,449,253, C>T. VCF-style: chr2-73449253-C-T. GRCh37 (hg19) VCF-style: chr2-73676380-C-T.
Other names: c.2729C>T, p.Ser910Leu (NM_015120.4); short protein forms S910L, S909L.
Identifiers: ClinVar variation 459862 (VCV000459862.10), dbSNP rs746640196, ClinGen allele CA1713404.